The following is an entry in ClinVar:

NM_001267550.2(TTN):c.24546T>A (p.Val8182=)

Gene: TTN (titin; minus strand). Cytogenetic location: 2q31.2.
Variant type: single nucleotide variant.
Coding change: c.24546T>A on transcript NM_001267550.2 (MANE Select); coding-DNA position 24546, T replaced by A.
Protein change: p.Val8182=; no amino-acid change (valine 8182 retained).
Molecular consequence: synonymous variant. On other transcripts: intron variant (3).
Genome position (GRCh38, 1-based): chr2:178,718,560, A>T on the plus strand (T>A on the coding strand, the complement: TTN is on the minus strand). VCF-style: chr2-178718560-A-T. GRCh37 (hg19) VCF-style: chr2-179583287-A-T.
Other names: c.20814T>A, p.Val6938= (NM_133378.4); c.23595T>A, p.Val7865= (NM_001256850.1); c.13282+19522T>A (NM_003319.4); c.13858+19522T>A (NM_133437.4); c.13657+19522T>A (NM_133432.3).
Identifiers: ClinVar variation 46735 (VCV000046735.7), dbSNP rs397517508, ClinGen allele CA139071.
Genomic context (GRCh38, chr2:178,718,560, plus strand): 5'-CACTGAGATTGGAGGTGTGCCAGTGTATGTGGCCTCGAGAACTATGGGGCTTCCTGTCTC[A>T]ACACTGAAATCAGCCAATCTTTTCACAAAGGTGGCTGGTTCTATAAGGAGAAAACATGTG-3'
Protein context (NP_001254479.2, residues 8172-8192): TFVKRLADFS[Val8182=]ETGSPIVLEA

ClinVar aggregate classification (germline): Conflicting classifications of pathogenicity. Review status: criteria provided, conflicting classifications (1 of 4 stars). 2 submissions from 2 submitters: Uncertain significance (1); Likely benign (1). Last evaluated 2016-12-29.

Conditions:
Dilated cardiomyopathy 1G (CMD1G). Identifiers: Orphanet 154, MedGen C1858763, MONDO:0011400, OMIM 604145.
Autosomal recessive limb-girdle muscular dystrophy type 2J (LGMDR10). Also called: Limb-girdle muscular dystrophy, type 2J; MUSCULAR DYSTROPHY, LIMB-GIRDLE, AUTOSOMAL RECESSIVE 10. Identifiers: Orphanet 140922, MedGen C1837342, MONDO:0012127, OMIM 608807.

Allele frequency attached by ClinVar (database versions not stated): gnomAD exomes below 0.00001; gnomAD 0.00001; TOPMed 0.00003.

Submissions (2):

Labcorp Genetics (formerly Invitae), Labcorp
Classification: Uncertain significance for Dilated cardiomyopathy 1G; Autosomal recessive limb-girdle muscular dystrophy type 2J. Last evaluated: 2016-12-29. Review status: criteria provided, single submitter. Criteria: Invitae Variant Classification Sherloc (09022015). Collection method: clinical testing. Allele origin: germline.

Laboratory for Molecular Medicine, Mass General Brigham Personalized Medicine
Classification: Likely benign. Last evaluated: 2012-04-19. Review status: criteria provided, single submitter. Criteria: LMM Criteria. Collection method: clinical testing. Allele origin: germline. Observed: 1 variant allele.
Comment: Val6938Val in exon 82 of TTN: This variant is not expected to have clinical sign ificance because it does not alter an amino acid residue and is not located with in the splice consensus sequence. Val6938Val in exon 82 of TTN (allele frequen cy = n/a)